The following is an entry in ClinVar:

ClinVar aggregate classification (germline): Uncertain significance. Review status: criteria provided, multiple submitters, no conflicts (2 of 4 stars). 3 submissions from 3 submitters: Uncertain significance (3). Last evaluated 2025-02-18.

Conditions:
Propionic acidemia (PROP). Also called: GLYCINEMIA, KETOTIC; HYPERGLYCINEMIA WITH KETOACIDOSIS AND LEUKOPENIA; KETOTIC HYPERGLYCINEMIA. Identifiers: Orphanet 35, MedGen C0268579, MONDO:0011628, OMIM 606054, HP:0003571.

Allele frequency attached by ClinVar (database versions not stated): gnomAD 0.00001; ExAC 0.00002.
gnomAD v4.1: 5 of 1,572,544 alleles (0.00032%); highest among the groups gnomAD compares: East Asian, 0.0045%; no homozygotes.

Submissions (3):

3billion
Classification: Uncertain significance for Propionic acidemia. Last evaluated: 2025-02-18. Review status: criteria provided, single submitter. Criteria: ACMG Guidelines, 2015. Collection method: clinical testing. Allele origin: germline. Affected: yes.
Comment: The variant is observed at an extremely low frequency in the gnomAD v4.1.0 dataset (total allele frequency: <0.001%). Predicted Consequence/Location: Missense variant In silico tool predictions suggest damaging effect of the variant on gene or gene product [3Cnet: 0.99 (>=0.6, sensitivity 0.72 and precision 0.9)]. The variant has been reported as of uncertain significance (ClinVar ID: VCV001422898). Different missense changes at the same codon have been reported as of uncertain significance (ClinVar ID: VCV001977390. Therefore, this variant is classified as VUS according to the recommendation of ACMG/AMP guideline.

Revvity Omics, Revvity
Classification: Uncertain significance for Propionic acidemia. Last evaluated: 2025-02-10. Review status: criteria provided, single submitter. Criteria: ACMG Guidelines, 2015. Collection method: clinical testing. Allele origin: germline.

Labcorp Genetics (formerly Invitae), Labcorp
Classification: Uncertain significance for Propionic acidemia. Last evaluated: 2021-10-14. Review status: criteria provided, single submitter. Criteria: Invitae Variant Classification Sherloc (09022015). Collection method: clinical testing. Allele origin: germline.
Comment: This sequence change replaces methionine with threonine at codon 253 of the PCCB protein (p.Met253Thr). The methionine residue is weakly conserved and there is a moderate physicochemical difference between methionine and threonine. This variant is present in population databases (rs747881252, ExAC 0.003%). This variant has not been reported in the literature in individuals affected with PCCB-related conditions. Algorithms developed to predict the effect of missense changes on protein structure and function (SIFT, PolyPhen-2, Align-GVGD) all suggest that this variant is likely to be tolerated. In summary, the available evidence is currently insufficient to determine the role of this variant in disease. Therefore, it has been classified as a Variant of Uncertain Significance.

NM_000532.5(PCCB):c.758T>C (p.Met253Thr)

Gene: PCCB (propionyl-CoA carboxylase subunit beta; plus strand). Cytogenetic location: 3q22.3.
Variant type: single nucleotide variant.
Coding change: c.758T>C on transcript NM_000532.5 (MANE Select); coding-DNA position 758, T replaced by C.
Protein change: p.Met253Thr; replaces methionine 253 with threonine.
Molecular consequence: missense variant.
Genome position (GRCh38, 1-based): chr3:136,293,859, T>C. VCF-style: chr3-136293859-T-C. GRCh37 (hg19) VCF-style: chr3-136012701-T-C.
Other names: c.818T>C, p.Met273Thr (NM_001178014.2); short protein forms M273T, M253T.
Identifiers: ClinVar variation 1422898 (VCV001422898.7), dbSNP rs747881252, ClinGen allele CA2631851.